The following is an entry in ClinVar:

NM_002474.3(MYH11):c.3882G>A (p.Gly1294=)

Genes: MYH11 (myosin heavy chain 11; minus strand), NDE1 (nudE neurodevelopment protein 1; plus strand). Cytogenetic location: 16p13.11.
Variant type: single nucleotide variant.
Coding change: c.3882G>A on transcript NM_002474.3 (MANE Select); coding-DNA position 3882, G replaced by A.
Protein change: p.Gly1294=; no amino-acid change (glycine 1294 retained).
Molecular consequence: synonymous variant. On other transcripts: 3 prime UTR variant (2).
Genome position (GRCh38, 1-based): chr16:15,724,969, C>T on the plus strand (G>A on the coding strand, the complement: MYH11 is on the minus strand). VCF-style: chr16-15724969-C-T. GRCh37 (hg19) VCF-style: chr16-15818826-C-T.
Other names: c.3903G>A, p.Gly1301= (NM_001040113.2, NM_001040114.2); c.3882G>A, p.Gly1294= (NM_022844.3); c.*718C>T (NM_001143979.2, NM_017668.3).
Identifiers: ClinVar variation 3222384 (VCV003222384.2), dbSNP rs2506145397, ClinGen allele CA493760554.

ClinVar aggregate classification (germline): Likely benign. Review status: criteria provided, multiple submitters, no conflicts (2 of 4 stars). 2 submissions from 2 submitters: Likely benign (2). Last evaluated 2024-05-14.

Conditions:
Familial thoracic aortic aneurysm and aortic dissection (TAAD). Also called: Thoracic aortic aneurysms and dissections. Identifiers: Orphanet 91387, MedGen C4707243, MONDO:0019625.

Allele frequency attached by ClinVar (database versions not stated): gnomAD exomes below 0.00001.
gnomAD v4.1: 1 of 1,614,082 alleles (0.000062%); highest among the groups gnomAD compares: Non-Finnish European, 0.000085%; no homozygotes.

Submissions (2):

All of Us Research Program, National Institutes of Health
Classification: Likely benign for Familial thoracic aortic aneurysm and aortic dissection. Last evaluated: 2024-05-14. Review status: criteria provided, single submitter. Criteria: ACMG Guidelines, 2015. Collection method: clinical testing. Allele origin: germline. Inheritance: Autosomal dominant inheritance. Observed: 1 variant allele, 1 heterozygote.
Comment: This study involves interpretation of variants in research participants for the purpose of population health screening. Participant phenotype was not available at the time of variant classification. Additional details can be found in publication PMID: 35346344, PMCID: PMC8962531

Ambry Genetics
Classification: Likely benign for Familial thoracic aortic aneurysm and aortic dissection. Last evaluated: 2024-02-16. Review status: criteria provided, single submitter. Criteria: Ambry Variant Classification Scheme 2023. Collection method: clinical testing. Allele origin: germline.